The following is an entry in ClinVar:

ClinVar aggregate classification (germline): Uncertain significance (1 of 4 stars; one submission).

Conditions:
Brugada syndrome 8 (BRGDA8). Identifiers: Orphanet 130, MedGen C2751083, MONDO:0013148, OMIM 613123.

Allele frequency attached by ClinVar (database versions not stated): gnomAD exomes below 0.00001; gnomAD 0.00001; ExAC 0.00005.
gnomAD v4.1: 2 of 1,534,406 alleles (0.00013%); highest among the groups gnomAD compares: Non-Finnish European, 0.00018%; no homozygotes.

Submission:

Labcorp Genetics (formerly Invitae), Labcorp
Classification: Uncertain significance for Brugada syndrome 8. Last evaluated: 2023-03-08. Review status: criteria provided, single submitter. Criteria: Invitae Variant Classification Sherloc (09022015). Collection method: clinical testing. Allele origin: germline.
Comment: This sequence change replaces glutamine, which is neutral and polar, with leucine, which is neutral and non-polar, at codon 937 of the HCN4 protein (p.Gln937Leu). The frequency data for this variant in the population databases is considered unreliable, as metrics indicate poor data quality at this position in the gnomAD database. This variant has not been reported in the literature in individuals affected with HCN4-related conditions. ClinVar contains an entry for this variant (Variation ID: 863161). Advanced modeling of protein sequence and biophysical properties (such as structural, functional, and spatial information, amino acid conservation, physicochemical variation, residue mobility, and thermodynamic stability) performed at Invitae indicates that this missense variant is not expected to disrupt HCN4 protein function. In summary, the available evidence is currently insufficient to determine the role of this variant in disease. Therefore, it has been classified as a Variant of Uncertain Significance.

NM_005477.3(HCN4):c.2810A>T (p.Gln937Leu)

Gene: HCN4 (hyperpolarization activated cyclic nucleotide gated potassium channel 4; minus strand). Cytogenetic location: 15q24.1.
Variant type: single nucleotide variant.
Coding change: c.2810A>T on transcript NM_005477.3 (MANE Select); coding-DNA position 2810, A replaced by T.
Protein change: p.Gln937Leu; replaces glutamine 937 with leucine.
Molecular consequence: missense variant.
Genome position (GRCh38, 1-based): chr15:73,323,283, T>A on the plus strand (A>T on the coding strand, the complement: HCN4 is on the minus strand). VCF-style: chr15-73323283-T-A. GRCh37 (hg19) VCF-style: chr15-73615624-T-A.
Other names: short protein forms Q937L.
Identifiers: ClinVar variation 863161 (VCV000863161.9), dbSNP rs770942098, ClinGen allele CA7648948.
Genomic context (GRCh38, chr15:73,323,283, plus strand): 5'-TGCTCCGGGAGTCCCAGGCCTCCCCGGGCCCCGGGTGGCGCGGGAGATGGCTGGGCAGCC[T>A]GCGGGGAGCGGGCGCCTGGCTGCAGCGGGGTGAGCAGGGGAGAGTCGGAGGAGGACAGGG-3'
Protein context (NP_005468.1, residues 927-947): TPLQPGARSP[Gln937Leu]AAQPSPAPPG